The following is an entry in ClinVar:

ClinVar aggregate classification (germline): Uncertain significance (1 of 4 stars; one submission).

Conditions:
Idiopathic generalized epilepsy. Also called: EIG; Generalised epilepsy. Identifiers: MedGen C0270850, MONDO:0005579, OMIM 600669.
Hyperaldosteronism, familial, type IV (HALD4). Also called: FH IV; ALDOSTERONISM, PRIMARY, AND HYPERTENSION. Identifiers: Orphanet 642671, MedGen C4310756, MONDO:0014875, OMIM 617027.

Submission:

Labcorp Genetics (formerly Invitae), Labcorp
Classification: Uncertain significance for Idiopathic generalized epilepsy; Hyperaldosteronism, familial, type IV. Last evaluated: 2021-04-16. Review status: criteria provided, single submitter. Criteria: Invitae Variant Classification Sherloc (09022015). Collection method: clinical testing. Allele origin: germline.
Comment: This sequence change replaces serine with tryptophan at codon 1941 of the CACNA1H protein (p.Ser1941Trp). The serine residue is weakly conserved and there is a large physicochemical difference between serine and tryptophan. In summary, the available evidence is currently insufficient to determine the role of this variant in disease. Therefore, it has been classified as a Variant of Uncertain Significance. Advanced modeling of protein sequence and biophysical properties (such as structural, functional, and spatial information, amino acid conservation, physicochemical variation, residue mobility, and thermodynamic stability) performed at Invitae indicates that this missense variant is not expected to disrupt CACNA1H protein function. This variant has not been reported in the literature in individuals with CACNA1H-related conditions. This variant is not present in population databases (ExAC no frequency).

NM_021098.3(CACNA1H):c.5822C>G (p.Ser1941Trp)

Gene: CACNA1H (calcium voltage-gated channel subunit alpha1 H; plus strand). Cytogenetic location: 16p13.3.
Variant type: single nucleotide variant.
Coding change: c.5822C>G on transcript NM_021098.3 (MANE Select); coding-DNA position 5822, C replaced by G.
Protein change: p.Ser1941Trp; replaces serine 1941 with tryptophan.
Molecular consequence: missense variant.
Genome position (GRCh38, 1-based): chr16:1,218,586, C>G. VCF-style: chr16-1218586-C-G. GRCh37 (hg19) VCF-style: chr16-1268586-C-G.
Other names: c.5804C>G, p.Ser1935Trp (NM_001005407.2); short protein forms S1941W, S1935W.
Identifiers: ClinVar variation 1345839 (VCV001345839.8), dbSNP rs1291910282, ClinGen allele CA394147963.